The following is an entry in ClinVar:

NM_152296.5(ATP1A3):c.55C>A (p.Arg19Ser)

Gene: ATP1A3 (ATPase Na+/K+ transporting subunit alpha 3; minus strand). Cytogenetic location: 19q13.2.
Variant type: single nucleotide variant.
Coding change: c.55C>A on transcript NM_152296.5 (MANE Select); coding-DNA position 55, C replaced by A.
Protein change: p.Arg19Ser; replaces arginine 19 with serine.
Molecular consequence: missense variant.
Genome position (GRCh38, 1-based): chr19:41,988,514, G>T on the plus strand (C>A on the coding strand, the complement: ATP1A3 is on the minus strand). VCF-style: chr19-41988514-G-T. GRCh37 (hg19) VCF-style: chr19-42492666-G-T.
Other names: c.88C>A, p.Arg30Ser (NM_001256213.2); c.94C>A, p.Arg32Ser (NM_001256214.2); short protein forms R19S, R32S, R30S.
Identifiers: ClinVar variation 2843697 (VCV002843697.3), dbSNP rs782229302, ClinGen allele CA406057818.

ClinVar aggregate classification (germline): Uncertain significance (1 of 4 stars; one submission).

Conditions:
Dystonia 12 (DYT12). Also called: Rapid-Onset Dystonia-Parkinsonism (RDP); DYT-ATP1A3. Identifiers: Orphanet 71517, MedGen C1868681, MONDO:0007496, OMIM 128235.

gnomAD v4.1: 1 of 1,614,164 alleles (0.000062%); highest among the groups gnomAD compares: Non-Finnish European, 0.000085%; no homozygotes.

Submission:

Labcorp Genetics (formerly Invitae), Labcorp
Classification: Uncertain significance for Dystonia 12. Last evaluated: 2023-03-08. Review status: criteria provided, single submitter. Criteria: Invitae Variant Classification Sherloc (09022015). Collection method: clinical testing. Allele origin: germline.
Comment: In summary, the available evidence is currently insufficient to determine the role of this variant in disease. Therefore, it has been classified as a Variant of Uncertain Significance. Advanced modeling of protein sequence and biophysical properties (such as structural, functional, and spatial information, amino acid conservation, physicochemical variation, residue mobility, and thermodynamic stability) performed at Invitae indicates that this missense variant is not expected to disrupt ATP1A3 protein function. This variant has not been reported in the literature in individuals affected with ATP1A3-related conditions. This variant is not present in population databases (gnomAD no frequency). This sequence change replaces arginine, which is basic and polar, with serine, which is neutral and polar, at codon 19 of the ATP1A3 protein (p.Arg19Ser).